The following is an entry in ClinVar:

NM_000166.6(GJB1):c.311A>T (p.Lys104Ile)

Gene: GJB1 (gap junction protein beta 1; plus strand). Cytogenetic location: Xq13.1.
Variant type: single nucleotide variant.
Coding change: c.311A>T on transcript NM_000166.6 (MANE Select); coding-DNA position 311, A replaced by T.
Protein change: p.Lys104Ile; replaces lysine 104 with isoleucine.
Molecular consequence: missense variant.
Genome position (GRCh38, 1-based): chrX:71,224,018, A>T. VCF-style: chrX-71224018-A-T. GRCh37 (hg19) VCF-style: chrX-70443868-A-T.
Other names: c.311A>T, p.Lys104Ile (NM_001097642.3); short protein forms K104I.
Identifiers: ClinVar variation 948794 (VCV000948794.9), dbSNP rs1602349166, ClinGen allele CA413501880.

ClinVar aggregate classification (germline): Likely pathogenic (1 of 4 stars; one submission).

Conditions:
Charcot-Marie-Tooth Neuropathy X. Identifiers: MedGen CN118851.

Submission:

Labcorp Genetics (formerly Invitae), Labcorp
Classification: Likely pathogenic for Charcot-Marie-Tooth Neuropathy X. Last evaluated: 2022-01-17. Review status: criteria provided, single submitter. Criteria: Invitae Variant Classification Sherloc (09022015). Collection method: clinical testing. Allele origin: germline.
Comment: Algorithms developed to predict the effect of missense changes on protein structure and function (SIFT, PolyPhen-2, Align-GVGD) all suggest that this variant is likely to be disruptive. In summary, the currently available evidence indicates that the variant is pathogenic, but additional data are needed to prove that conclusively. Therefore, this variant has been classified as Likely Pathogenic. This variant disrupts the p.Lys104 amino acid residue in GJB1. Other variant(s) that disrupt this residue have been observed in individuals with GJB1-related conditions (PMID: 10586284, 26454100), which suggests that this may be a clinically significant amino acid residue. ClinVar contains an entry for this variant (Variation ID: 948794). This missense change has been observed in individual(s) with Charcot-Marie-Tooth disease (Invitae). It has also been observed to segregate with disease in related individuals. This variant is not present in population databases (gnomAD no frequency). This sequence change replaces lysine, which is basic and polar, with isoleucine, which is neutral and non-polar, at codon 104 of the GJB1 protein (p.Lys104Ile).

Literature cited by the submitters: PubMed 10586284; PubMed 26454100.